The following is an entry in ClinVar:

NM_024740.2(ALG9):c.1695G>A (p.Trp565Ter)

Gene: ALG9 (ALG9 alpha-1,2-mannosyltransferase; minus strand). Cytogenetic location: 11q23.1.
Variant type: single nucleotide variant.
Coding change: c.1695G>A on transcript NM_024740.2 (MANE Select); coding-DNA position 1695, G replaced by A.
Protein change: p.Trp565Ter; replaces tryptophan 565 with a stop codon.
Molecular consequence: nonsense. On other transcripts: non-coding transcript variant (1).
Genome position (GRCh38, 1-based): chr11:111,809,681, C>T on the plus strand (G>A on the coding strand, the complement: ALG9 is on the minus strand). VCF-style: chr11-111809681-C-T. GRCh37 (hg19) VCF-style: chr11-111680405-C-T.
Other names: c.1674G>A, p.Trp558Ter (NM_001077690.1, NM_001352417.1); c.1182G>A, p.Trp394Ter (NM_001077691.2, NM_001352413.1, NM_001352414.2 and 1 more transcripts); c.1161G>A, p.Trp387Ter (NM_001077692.2, NM_001352409.1, NM_001352410.1 and 6 more transcripts); c.1551G>A, p.Trp517Ter (NM_001352418.1); c.1086G>A, p.Trp362Ter (NM_001352422.2); c.1038G>A, p.Trp346Ter (NM_001352423.2); short protein forms W346*, W362*, W387*, W394*, W517*, W558*, W565*.
Identifiers: ClinVar variation 3906840 (VCV003906840.2).
Genomic context (GRCh38, chr11:111,809,681, plus strand): 5'-CCATAGGATTAAAGCCACATACCTAGAAGCATCAAGGAATGGTCTATAGGCCAAGCTGAT[C>T]CATTCTTCTTTATTGGATGAATATTTTGGCTCCCGGGGTGTTTCTCTCATGGTGTCCAAA-3'

ClinVar aggregate classification (germline): Conflicting classifications of pathogenicity. Review status: criteria provided, conflicting classifications (1 of 4 stars). 2 submissions from 2 submitters: Pathogenic (1); Uncertain significance (1). Last evaluated 2025-06-01.

Conditions:
Familial cystic renal disease. Identifiers: Orphanet 93587, MedGen C5680285, MONDO:0019741.

gnomAD v4.1: 3 of 1,614,116 alleles (0.00019%); highest among the groups gnomAD compares: Non-Finnish European, 0.00025%; no homozygotes.

Submissions (2):

Mayo Translational Polycystic Kidney Disease Center, Mayo Clinic
Classification: Pathogenic for Familial cystic renal disease. Last evaluated: 2025-06-01. Review status: criteria provided, single submitter. Criteria: ACMG Guidelines, 2015. Collection method: research. Allele origin: germline. Inheritance: Autosomal dominant inheritance. Affected: yes.
Comment: The c.1695G>A variant in the ALG9 gene results in a premature stop codon at position 565 (p.Trp565Ter), leading to early truncation of the ALG9 protein. This nonsense variant is expected to result in a truncated, non-functional protein. Given that ALG9 is a gene where loss of function (LoF) is a known disease mechanism, this satisfies the PVS1 criterion. The variant is extremely rare in population databases, with an allele frequency of less than 0.01% in gnomAD v4.1.0, meeting PM2. It has been reported in one individual with very mild polycystic liver and kidney disease, a phenotype consistent with ALG9-related disorders, supporting PP4 (Jawaid, 2025). Based on its predicted loss-of-function effect and associated clinical evidence, this variant is classified as pathogenic.

Blueprint Genetics
Classification: Uncertain significance. Last evaluated: 2022-06-22. Review status: criteria provided, single submitter. Criteria: ACMG Guidelines, 2015. Collection method: clinical testing. Allele origin: germline.

Literature cited by the submitters: PubMed 39899384 (cited by Mayo Translational Polycystic Kidney Disease Center, Mayo Clinic).